The following is an entry in ClinVar:

NM_024675.4(PALB2):c.1051del (p.Thr351fs)

Gene: PALB2 (partner and localizer of BRCA2; minus strand). Cytogenetic location: 16p12.2.
Variant type: Deletion.
Coding change: c.1051del on transcript NM_024675.4 (MANE Select); coding-DNA position 1051, one base deleted (A; older notation c.1051delA).
Protein change: p.Thr351fs; shifts the reading frame from threonine 351.
Molecular consequence: frameshift variant. On other transcripts: intron variant (3).
Genome position (GRCh38, 1-based): chr16:23,635,495, T deleted on the plus strand (A on the coding strand, the reverse complement: PALB2 is on the minus strand); the first of 3 consecutive T bases (chr16:23,635,495-23,635,497); deleting any one gives the same sequence. VCF-style (leftmost placement, unchanged base first): chr16-23635494-GT-G. GRCh37 (hg19) VCF-style: chr16-23646815-GT-G.
Other names: c.1051delA (NM_024675.3); c.166del, p.Thr56fs (NM_001407307.1, NM_001407308.1, NM_001407309.1 and 5 more transcripts); c.48+5615del (NM_001407314.1); c.-104-5026del (NM_001407313.1, NM_001407312.1); c.991del, p.Thr331fs (NM_001407296.1); c.1051del, p.Thr351fs (NM_001407297.1, NM_001407298.1, NM_001407299.1 and 3 more transcripts); short protein forms T331fs, T351fs, T56fs.
Identifiers: ClinVar variation 3227977 (VCV003227977.4), dbSNP rs2506490833, ClinGen allele CA2695222968.
Genomic context (GRCh38, chr16:23,635,494, plus strand): 5'-TCCTGAAGATTTTCATTCCTGCCATCAAGAGTGTCACTGGGAGATTTTAAAGATTTCTCT[GT>G]TTGATTTTGTTCTTTTAAGTTTTGGTTTTCATTTGCTGGTAAGTTATTGTAGGTGAGTTC-3'

ClinVar aggregate classification (germline): Pathogenic. Review status: criteria provided, multiple submitters, no conflicts (2 of 4 stars). 3 submissions from 3 submitters: Pathogenic (3). Last evaluated 2026-03-17.

Conditions:
Familial cancer of breast. Also called: BREAST CANCER, FAMILIAL; Hereditary breast cancer; hereditary breast carcinoma. Identifiers: Orphanet 227535, MedGen C0346153, MONDO:0016419, OMIM 114480. Disease mechanism: loss of function.
Hereditary cancer-predisposing syndrome. Also called: Neoplastic Syndromes, Hereditary; Tumor predisposition; Hereditary neoplastic syndrome; Hereditary Cancer Syndrome. Identifiers: Orphanet 140162, MedGen C0027672, MeSH D009386, MONDO:0015356.

Submissions (3):

Myriad Genetics, Inc.
Classification: Pathogenic for Familial cancer of breast. Last evaluated: 2026-03-17. Review status: criteria provided, single submitter. Criteria: Myriad Autosomal Dominant, Autosomal Recessive and X-Linked Classification Criteria (2023). Collection method: clinical testing. Allele origin: unknown.
Comment: This variant is considered pathogenic. This variant creates a frameshift predicted to result in premature protein truncation.

Labcorp Genetics (formerly Invitae), Labcorp
Classification: Pathogenic for Familial cancer of breast. Last evaluated: 2024-03-19. Review status: criteria provided, single submitter. Criteria: Invitae Variant Classification Sherloc (09022015). Collection method: clinical testing. Allele origin: germline.
Comment: This sequence change creates a premature translational stop signal (p.Thr351Glnfs*5) in the PALB2 gene. It is expected to result in an absent or disrupted protein product. Loss-of-function variants in PALB2 are known to be pathogenic (PMID: 17200668, 17200671, 17200672, 24136930, 25099575). This variant is not present in population databases (gnomAD no frequency). This premature translational stop signal has been observed in individual(s) with PALB2-related conditions (PMID: 31841383). For these reasons, this variant has been classified as Pathogenic.

Ambry Genetics
Classification: Pathogenic for Hereditary cancer-predisposing syndrome. Last evaluated: 2023-11-03. Review status: criteria provided, single submitter. Criteria: Ambry Variant Classification Scheme 2023. Collection method: clinical testing. Allele origin: germline.
Comment: The c.1051delA pathogenic mutation, located in coding exon 4 of the PALB2 gene, results from a deletion of one nucleotide at nucleotide position 1051, causing a translational frameshift with a predicted alternate stop codon (p.T351Qfs*5). This variant is considered to be rare based on population cohorts in the Genome Aggregation Database (gnomAD). This alteration is expected to result in loss of function by premature protein truncation or nonsense-mediated mRNA decay. As such, this alteration is interpreted as a disease-causing mutation.

Literature cited by the submitters: PubMed 17200668 (cited by Labcorp Genetics (formerly Invitae), Labcorp); PubMed 17200671 (cited by Labcorp Genetics (formerly Invitae), Labcorp); PubMed 17200672 (cited by Labcorp Genetics (formerly Invitae), Labcorp); PubMed 24136930 (cited by Labcorp Genetics (formerly Invitae), Labcorp); PubMed 25099575 (cited by Labcorp Genetics (formerly Invitae), Labcorp); PubMed 31841383 (cited by Labcorp Genetics (formerly Invitae), Labcorp).